The following is an entry in ClinVar:

NM_000181.4(GUSB):c.725-16C>T

Gene: GUSB (glucuronidase beta; minus strand). Cytogenetic location: 7q11.21.
Variant type: single nucleotide variant.
Coding change: c.725-16C>T on transcript NM_000181.4 (MANE Select); 16 bases into the intron before coding-DNA position 725, C replaced by T.
Molecular consequence: intron variant.
Genome position (GRCh38, 1-based): chr7:65,976,218, G>A on the plus strand (C>T on the coding strand, the complement: GUSB is on the minus strand). VCF-style: chr7-65976218-G-A. GRCh37 (hg19) VCF-style: chr7-65441205-G-A.
Other names: p.?; c.68-16C>T (NM_001293105.2); c.155-16C>T (NM_001293104.2); c.475-1147C>T (NM_001284290.2).
Identifiers: ClinVar variation 1165325 (VCV001165325.14), dbSNP rs62470936, ClinGen allele CA4276526.

ClinVar aggregate classification (germline): Benign/Likely benign. Review status: criteria provided, multiple submitters, no conflicts (2 of 4 stars). 5 submissions from 5 submitters: Benign (3); Likely benign (2). Last evaluated 2026-02-04.

Conditions:
Mucopolysaccharidosis type 7 (MPS7). Also called: SLY SYNDROME; MPS VII; GUSB DEFICIENCY; BETA-GLUCURONIDASE DEFICIENCY. Identifiers: Orphanet 584, MedGen C0085132, MONDO:0009662, OMIM 253220.

Allele frequency attached by ClinVar (database versions not stated): 1000 Genomes Project 30x 0.00125; 1000 Genomes Project 0.00160; TOPMed 0.00359; gnomAD 0.00473 and 0.00494; gnomAD exomes 0.00540 and 0.00627; ESP Exome Variant Server 0.00546; ExAC 0.00581.
gnomAD v4.1: 9,732 of 1,600,488 alleles (0.61%); highest among the groups gnomAD compares: Non-Finnish European, 0.68%; 45 homozygotes.

Submissions (5):

Labcorp Genetics (formerly Invitae), Labcorp
Classification: Benign for Mucopolysaccharidosis type 7. Last evaluated: 2026-02-04. Review status: criteria provided, single submitter. Criteria: Invitae Variant Classification Sherloc (09022015). Collection method: clinical testing. Allele origin: germline.

Blueprint Genetics
Classification: Likely benign. Last evaluated: 2024-11-26. Review status: criteria provided, single submitter. Criteria: ACMG Guidelines, 2015. Collection method: clinical testing. Allele origin: germline.

Mayo Clinic Laboratories, Mayo Clinic
Classification: Benign. Last evaluated: 2022-07-19. Review status: criteria provided, single submitter. Criteria: ACMG Guidelines, 2015. Collection method: clinical testing. Allele origin: germline. Observed: 3 variant alleles.
Comment: BS1, BS2, BP4, BP7

Fulgent Genetics
Classification: Likely benign for Mucopolysaccharidosis type 7. Last evaluated: 2022-03-03. Review status: criteria provided, single submitter. Criteria: ACMG Guidelines, 2015. Collection method: clinical testing. Allele origin: unknown.

Breakthrough Genomics
Classification: Benign. Review status: criteria provided, single submitter. Criteria: ACMG Guidelines, 2015. Collection method: not provided. Allele origin: germline. Inheritance: Autosomal recessive inheritance. Affected: yes.